The following is an entry in ClinVar:

NM_001042492.3(NF1):c.288+2dup

Gene: NF1 (neurofibromin 1; plus strand). Cytogenetic location: 17q11.2.
Variant type: Duplication.
Coding change: c.288+2dup on transcript NM_001042492.3 (MANE Select); the canonical splice donor site of the intron after coding-DNA position 288, one base duplicated (T; older notation c.288+2dupT).
Molecular consequence: splice donor variant.
Genome position (GRCh38, 1-based): chr17:31,159,095, T duplicated. VCF-style (leftmost placement, unchanged base first): chr17-31159094-G-GT. GRCh37 (hg19) VCF-style: chr17-29486112-G-GT.
Other names: c.288+2dup (NM_000267.4, NM_001128147.3).
Identifiers: ClinVar variation 2719611 (VCV002719611.3), dbSNP rs2544690917, ClinGen allele CA2697559532.

ClinVar aggregate classification (germline): Uncertain significance (1 of 4 stars; one submission).

Conditions:
Neurofibromatosis, type 1 (NF1). Also called: Neurofibromatosis, type I; NEUROFIBROMATOSIS, TYPE I, SOMATIC; Peripheral type neurofibromatosis; VON RECKLINGHAUSEN DISEASE. Identifiers: Orphanet 636, MedGen C0027831, MONDO:0018975, OMIM 162200. Disease mechanism: loss of function.

Submission:

Labcorp Genetics (formerly Invitae), Labcorp
Classification: Uncertain significance for Neurofibromatosis, type 1. Last evaluated: 2023-09-11. Review status: criteria provided, single submitter. Criteria: Invitae Variant Classification Sherloc (09022015). Collection method: clinical testing. Allele origin: germline.
Comment: In summary, the available evidence is currently insufficient to determine the role of this variant in disease. Therefore, it has been classified as a Variant of Uncertain Significance. Variants that disrupt the consensus splice site are a relatively common cause of aberrant splicing (PMID: 17576681, 9536098). Algorithms developed to predict the effect of sequence changes on RNA splicing suggest that this variant may disrupt the consensus splice site. This variant has not been reported in the literature in individuals affected with NF1-related conditions. This variant is not present in population databases (gnomAD no frequency). This sequence change falls in intron 3 of the NF1 gene. It does not directly change the encoded amino acid sequence of the NF1 protein. It affects a nucleotide within the consensus splice site.

Literature cited by the submitters: PubMed 17576681; PubMed 9536098.